The following is an entry in ClinVar:

ClinVar aggregate classification (germline): Pathogenic (1 of 4 stars; one submission).

Conditions:
Glycine encephalopathy 1 (GCE1). Identifiers: MedGen CN376801, MONDO:0958179, OMIM 605899.

Submission:

Myriad Genetics, Inc.
Classification: Pathogenic for Glycine encephalopathy 1. Last evaluated: 2023-11-25. Review status: criteria provided, single submitter. Criteria: Myriad Autosomal Dominant, Autosomal Recessive and X-Linked Classification Criteria (2023). Collection method: clinical testing. Allele origin: unknown.
Comment: NM_000170.2(GLDC):c.2096delA(Y699Sfs*28) is expected to be pathogenic in the context of glycine encephalopathy, GLDC-related. This variant is predicted to lead to an abnormal or absent protein product due to the creation of a premature termination codon in GLDC, a gene where loss-of-function variants are known to be pathogenic. Please note: this variant was assessed in the context of healthy population screening.

NM_000170.3(GLDC):c.2096del (p.Tyr699fs)

Gene: GLDC (glycine decarboxylase; minus strand). Cytogenetic location: 9p24.1.
Variant type: Deletion.
Coding change: c.2096del on transcript NM_000170.3 (MANE Select); coding-DNA position 2096, one base deleted (A; older notation c.2096delA).
Protein change: p.Tyr699fs; shifts the reading frame from tyrosine 699.
Molecular consequence: frameshift variant.
Genome position (GRCh38, 1-based): chr9:6,556,259, T deleted on the plus strand (A on the coding strand, the reverse complement: GLDC is on the minus strand). VCF-style (leftmost placement, unchanged base first): chr9-6556258-GT-G. GRCh37 (hg19) VCF-style: chr9-6556258-GT-G.
Other names: short protein forms Y699fs.
Identifiers: ClinVar variation 5012519 (VCV005012519.1).